The following is an entry in ClinVar:

NM_001375405.1(CEP120):c.1372A>G (p.Ile458Val)

Gene: CEP120 (centrosomal protein 120; minus strand). Cytogenetic location: 5q23.2.
Variant type: single nucleotide variant.
Coding change: c.1372A>G on transcript NM_001375405.1 (MANE Select); coding-DNA position 1372, A replaced by G.
Protein change: p.Ile458Val; replaces isoleucine 458 with valine.
Molecular consequence: missense variant. On other transcripts: non-coding transcript variant (1).
Genome position (GRCh38, 1-based): chr5:123,388,490, T>C on the plus strand (A>G on the coding strand, the complement: CEP120 is on the minus strand). VCF-style: chr5-123388490-T-C. GRCh37 (hg19) VCF-style: chr5-122724184-T-C.
Other names: p.Ile458Val; c.1294A>G, p.Ile432Val (NM_001166226.2); c.1237A>G, p.Ile413Val (NM_001375406.1); c.1372A>G, p.Ile458Val (NM_001375407.1, NM_153223.4); c.799A>G, p.Ile267Val (NM_001375408.1, NM_001375409.1); short protein forms I267V, I413V, I432V, I458V.
Identifiers: ClinVar variation 3379600 (VCV003379600.3).

ClinVar aggregate classification (germline): Uncertain significance. Review status: criteria provided, multiple submitters, no conflicts (2 of 4 stars). 3 submissions from 3 submitters: Uncertain significance (3). Last evaluated 2024-12-31.

Conditions:
Inborn genetic diseases. Identifiers: MedGen C0950123, MeSH D030342.
Short-rib thoracic dysplasia 13 with or without polydactyly (SRTD13). Identifiers: Orphanet 474, MedGen C4225378, MONDO:0014577, OMIM 616300.

gnomAD v4.1: 38 of 1,609,084 alleles (0.0024%); highest among the groups gnomAD compares: Middle Eastern, 0.033%; no homozygotes.

Submissions (3):

Ambry Genetics
Classification: Uncertain significance for Inborn genetic diseases. Last evaluated: 2024-12-31. Review status: criteria provided, single submitter. Criteria: Ambry Variant Classification Scheme 2023. Collection method: clinical testing. Allele origin: germline.

Labcorp Genetics (formerly Invitae), Labcorp
Classification: Uncertain significance for Short-rib thoracic dysplasia 13 with or without polydactyly. Last evaluated: 2024-02-09. Review status: criteria provided, single submitter. Criteria: Invitae Variant Classification Sherloc (09022015). Collection method: clinical testing. Allele origin: germline.
Comment: This sequence change replaces isoleucine, which is neutral and non-polar, with valine, which is neutral and non-polar, at codon 458 of the CEP120 protein (p.Ile458Val). This variant is present in population databases (rs371963448, gnomAD 0.01%). This variant has not been reported in the literature in individuals affected with CEP120-related conditions. Advanced modeling of protein sequence and biophysical properties (such as structural, functional, and spatial information, amino acid conservation, physicochemical variation, residue mobility, and thermodynamic stability) performed at Invitae indicates that this missense variant is not expected to disrupt CEP120 protein function with a negative predictive value of 80%. In summary, the available evidence is currently insufficient to determine the role of this variant in disease. Therefore, it has been classified as a Variant of Uncertain Significance.

Mayo Clinic Laboratories, Mayo Clinic
Classification: Uncertain significance. Last evaluated: 2024-01-16. Review status: criteria provided, single submitter. Criteria: ACMG Guidelines, 2015. Collection method: clinical testing. Allele origin: germline. Observed: 1 variant allele.
Comment: BP4